The following is an entry in ClinVar:

NM_006946.4(SPTBN2):c.1294C>T (p.Arg432Cys)

Gene: SPTBN2 (spectrin beta, non-erythrocytic 2; minus strand). Cytogenetic location: 11q13.2.
Variant type: single nucleotide variant.
Coding change: c.1294C>T on transcript NM_006946.4 (MANE Select); coding-DNA position 1294, C replaced by T.
Protein change: p.Arg432Cys; replaces arginine 432 with cysteine.
Molecular consequence: missense variant.
Genome position (GRCh38, 1-based): chr11:66,708,197, G>A on the plus strand (C>T on the coding strand, the complement: SPTBN2 is on the minus strand). VCF-style: chr11-66708197-G-A. GRCh37 (hg19) VCF-style: chr11-66475668-G-A.
Other names: c.1315C>T, p.Arg439Cys (NM_001411025.1); short protein forms R439C, R432C.
Identifiers: ClinVar variation 2186576 (VCV002186576.28), dbSNP rs781504409, ClinGen allele CA6129416.

ClinVar aggregate classification (germline): Uncertain significance. Review status: criteria provided, multiple submitters, no conflicts (2 of 4 stars). 2 submissions from 2 submitters: Uncertain significance (2). Last evaluated 2024-10-30.

Allele frequency attached by ClinVar (database versions not stated): TOPMed 0.00001; gnomAD exomes 0.00003; ExAC 0.00005; gnomAD 0.00005.
gnomAD v4.1: 50 of 1,612,402 alleles (0.0031%); highest among the groups gnomAD compares: Non-Finnish European, 0.0037%; no homozygotes.

Submissions (2):

Labcorp Genetics (formerly Invitae), Labcorp
Classification: Uncertain significance. Last evaluated: 2024-10-30. Review status: criteria provided, single submitter. Criteria: Invitae Variant Classification Sherloc (09022015). Collection method: clinical testing. Allele origin: germline.
Comment: This sequence change replaces arginine, which is basic and polar, with cysteine, which is neutral and slightly polar, at codon 432 of the SPTBN2 protein (p.Arg432Cys). This variant is present in population databases (rs781504409, gnomAD 0.01%). This variant has not been reported in the literature in individuals affected with SPTBN2-related conditions. ClinVar contains an entry for this variant (Variation ID: 2186576). Invitae Evidence Modeling of protein sequence and biophysical properties (such as structural, functional, and spatial information, amino acid conservation, physicochemical variation, residue mobility, and thermodynamic stability) indicates that this missense variant is expected to disrupt SPTBN2 protein function with a positive predictive value of 80%. In summary, the available evidence is currently insufficient to determine the role of this variant in disease. Therefore, it has been classified as a Variant of Uncertain Significance.

CeGaT Center for Human Genetics Tuebingen
Classification: Uncertain significance. Last evaluated: 2022-03-01. Review status: criteria provided, single submitter. Criteria: CeGaT Center For Human Genetics Tuebingen Variant Classification Criteria Version 2. Collection method: clinical testing. Allele origin: germline. Affected: yes. Observed: 1 variant allele.
Comment: SPTBN2: PP3